The following is an entry in ClinVar:

NM_004432.5(ELAVL2):c.106G>A (p.Asp36Asn)

Gene: ELAVL2 (ELAV like RNA binding protein 2; minus strand). Cytogenetic location: 9p21.3.
Variant type: single nucleotide variant.
Coding change: c.106G>A on transcript NM_004432.5 (MANE Select); coding-DNA position 106, G replaced by A.
Protein change: p.Asp36Asn; replaces aspartic acid 36 with asparagine.
Molecular consequence: missense variant.
Genome position (GRCh38, 1-based): chr9:23,762,129, C>T on the plus strand (G>A on the coding strand, the complement: ELAVL2 is on the minus strand). VCF-style: chr9-23762129-C-T. GRCh37 (hg19) VCF-style: chr9-23762127-C-T.
Other names: c.106G>A, p.Asp36Asn (NM_001171195.2, NM_001171197.2, NM_001351467.2 and 15 more transcripts); c.193G>A, p.Asp65Asn (NM_001351455.2, NM_001351456.2, NM_001351457.2 and 11 more transcripts); c.190G>A, p.Asp64Asn (NM_001351460.2, NM_001351461.2, NM_001351462.2 and 2 more transcripts); c.148G>A, p.Asp50Asn (NM_001351466.2, NM_001385694.1, NM_001385696.1); c.106G>A (NM_004432.3); short protein forms D36N, D50N, D64N, D65N.
Identifiers: ClinVar variation 2635409 (VCV002635409.2), dbSNP rs756279278, ClinGen allele CA191445058.

ClinVar aggregate classification (germline): Uncertain significance. Review status: criteria provided, multiple submitters, no conflicts (2 of 4 stars). 2 submissions from 2 submitters: Uncertain significance (2). Last evaluated 2024-06-10.

Conditions:
ELAVL2-related disorder. Also called: ELAVL2-related condition.

Allele frequency attached by ClinVar (database versions not stated): gnomAD 0.00001; TOPMed 0.00001.
gnomAD v4.1: 4 of 1,613,474 alleles (0.00025%); highest among the groups gnomAD compares: Non-Finnish European, 0.00025%; no homozygotes.

Submissions (2):

Ambry Genetics
Classification: Uncertain significance. Last evaluated: 2024-06-10. Review status: criteria provided, single submitter. Criteria: Ambry Variant Classification Scheme 2023. Collection method: clinical testing. Allele origin: germline.

PreventionGenetics, part of Exact Sciences
Classification: Uncertain significance for ELAVL2-related condition. Last evaluated: 2022-12-08. Review status: criteria provided, single submitter. Criteria: ACMG Guidelines, 2015. Collection method: clinical testing. Allele origin: germline.
Comment: The ELAVL2 c.193G>A variant is predicted to result in the amino acid substitution p.Asp65Asn. To our knowledge, this variant has not been reported in the literature or in a large population database, indicating this variant is rare. At this time, the clinical significance of this variant is uncertain due to the absence of conclusive functional and genetic evidence.